The following is an entry in ClinVar:

NM_001080508.3(TBX18):c.1046G>A (p.Arg349Gln)

Gene: TBX18 (T-box transcription factor 18; minus strand). Cytogenetic location: 6q14.3.
Variant type: single nucleotide variant.
Coding change: c.1046G>A on transcript NM_001080508.3 (MANE Select); coding-DNA position 1046, G replaced by A.
Protein change: p.Arg349Gln; replaces arginine 349 with glutamine.
Molecular consequence: missense variant.
Genome position (GRCh38, 1-based): chr6:84,738,550, C>T on the plus strand (G>A on the coding strand, the complement: TBX18 is on the minus strand). VCF-style: chr6-84738550-C-T. GRCh37 (hg19) VCF-style: chr6-85448268-C-T.
Other names: c.1046G>A (NM_001080508.1); short protein forms R349Q.
Identifiers: ClinVar variation 2168730 (VCV002168730.5), dbSNP rs187085991, ClinGen allele CA3910926.

ClinVar aggregate classification (germline): Uncertain significance. Review status: criteria provided, multiple submitters, no conflicts (2 of 4 stars). 2 submissions from 2 submitters: Uncertain significance (2). Last evaluated 2025-10-23.

Conditions:
Inborn genetic diseases. Identifiers: MedGen C0950123, MeSH D030342.

Allele frequency attached by ClinVar (database versions not stated): ExAC 0.00007; gnomAD exomes 0.00009; gnomAD 0.00015; 1000 Genomes Project 0.00020; TOPMed 0.00020; 1000 Genomes Project 30x 0.00031.

Submissions (2):

Labcorp Genetics (formerly Invitae), Labcorp
Classification: Uncertain significance. Last evaluated: 2025-10-23. Review status: criteria provided, single submitter. Criteria: Invitae Variant Classification Sherloc (09022015). Collection method: clinical testing. Allele origin: germline.
Comment: This sequence change replaces arginine, which is basic and polar, with glutamine, which is neutral and polar, at codon 349 of the TBX18 protein (p.Arg349Gln). This variant is present in population databases (rs187085991, gnomAD 0.04%). This variant has not been reported in the literature in individuals affected with TBX18-related conditions. ClinVar contains an entry for this variant (Variation ID: 2168730). Invitae Evidence Modeling of protein sequence and biophysical properties (such as structural, functional, and spatial information, amino acid conservation, physicochemical variation, residue mobility, and thermodynamic stability) indicates that this missense variant is not expected to disrupt TBX18 protein function with a negative predictive value of 80%. In summary, the available evidence is currently insufficient to determine the role of this variant in disease. Therefore, it has been classified as a Variant of Uncertain Significance.

Ambry Genetics
Classification: Uncertain significance for Inborn genetic diseases. Last evaluated: 2021-10-06. Review status: criteria provided, single submitter. Criteria: Ambry Variant Classification Scheme 2023. Collection method: clinical testing. Allele origin: germline.